The following is an entry in ClinVar:

ClinVar aggregate classification (germline): Uncertain significance. Review status: criteria provided, multiple submitters, no conflicts (2 of 4 stars). 2 submissions from 2 submitters: Uncertain significance (2). Last evaluated 2025-05-26.

Submissions (2):

Ambry Genetics
Classification: Uncertain significance. Last evaluated: 2025-05-26. Review status: criteria provided, single submitter. Criteria: Ambry Variant Classification Scheme 2023. Collection method: clinical testing. Allele origin: germline.

Labcorp Genetics (formerly Invitae), Labcorp
Classification: Uncertain significance. Last evaluated: 2022-03-13. Review status: criteria provided, single submitter. Criteria: Invitae Variant Classification Sherloc (09022015). Collection method: clinical testing. Allele origin: germline.
Comment: This sequence change replaces aspartic acid, which is acidic and polar, with glycine, which is neutral and non-polar, at codon 755 of the RASA2 protein (p.Asp755Gly). This variant is not present in population databases (gnomAD no frequency). This variant has not been reported in the literature in individuals affected with RASA2-related conditions. Algorithms developed to predict the effect of missense changes on protein structure and function are either unavailable or do not agree on the potential impact of this missense change (SIFT: "Tolerated"; PolyPhen-2: "Probably Damaging"; Align-GVGD: "Class C0"). In summary, the available evidence is currently insufficient to determine the role of this variant in disease. Therefore, it has been classified as a Variant of Uncertain Significance.

NM_006506.5(RASA2):c.2264A>G (p.Asp755Gly)

Gene: RASA2 (RAS p21 protein activator 2; plus strand). Cytogenetic location: 3q23.
Variant type: single nucleotide variant.
Coding change: c.2264A>G on transcript NM_006506.5 (MANE Select); coding-DNA position 2264, A replaced by G.
Protein change: p.Asp755Gly; replaces aspartic acid 755 with glycine.
Molecular consequence: missense variant.
Genome position (GRCh38, 1-based): chr3:141,609,458, A>G. VCF-style: chr3-141609458-A-G. GRCh37 (hg19) VCF-style: chr3-141328300-A-G.
Other names: c.2264A>G (NM_006506.2); c.2267A>G, p.Asp756Gly (NM_001303245.3); c.2276A>G, p.Asp759Gly (NM_001303246.3); short protein forms D756G, D755G, D759G.
Identifiers: ClinVar variation 2177495 (VCV002177495.5), dbSNP rs2478877384, ClinGen allele CA354776612.